The following is an entry in ClinVar:

NM_001330078.2(NRXN1):c.3365-109893G>A

Gene: NRXN1 (neurexin 1; minus strand). Cytogenetic location: 2p16.3.
Variant type: single nucleotide variant.
Coding change: c.3365-109893G>A on transcript NM_001330078.2 (MANE Select); 109893 bases into the intron before coding-DNA position 3365, G replaced by A.
Molecular consequence: intron variant. On other transcripts: synonymous variant (4).
Genome position (GRCh38, 1-based): chr2:50,346,863, C>T on the plus strand (G>A on the coding strand, the complement: NRXN1 is on the minus strand). VCF-style: chr2-50346863-C-T. GRCh37 (hg19) VCF-style: chr2-50574001-C-T.
Other names: p.G29G:GGG>GGA; c.87G>A, p.Gly29= (NM_001330091.2, NM_001330092.2, NM_001330097.2 and 1 more transcripts); c.3254-109893G>A (NM_001330096.2, NM_001330087.2); c.3299-109893G>A (NM_001330083.2, NM_001330084.2); c.3284-109893G>A (NM_001330088.2); c.3362-109893G>A (NM_001330093.2); c.3353-109893G>A (NM_001330094.2); c.3314-109893G>A (NM_001330095.2); and 4 more.
Identifiers: ClinVar variation 138560 (VCV000138560.1), dbSNP rs546558752, ClinGen allele CA292607.

ClinVar aggregate classification (germline): Benign (1 of 4 stars; one submission).

Allele frequency attached by ClinVar (database versions not stated): 1000 Genomes Project 30x 0.00109; 1000 Genomes Project 0.00120.
gnomAD v4.1: 76 of 1,399,468 alleles (0.0054%); highest among the groups gnomAD compares: South Asian, 0.14%; 1 homozygote.

Submission:

GeneDx
Classification: Benign. Last evaluated: 2014-02-25. Review status: criteria provided, single submitter. Criteria: GeneDx Variant Classification (06012015). Collection method: clinical testing. Allele origin: germline. Affected: yes.
Comment: This variant is considered likely benign or benign based on one or more of the following criteria: it is a conservative change, it occurs at a poorly conserved position in the protein, it is predicted to be benign by multiple in silico algorithms, and/or has population frequency not consistent with disease.